The following is an entry in ClinVar:

NM_005222.4(DLX6):c.841T>A (p.Ser281Thr)

Genes: DLX6 (distal-less homeobox 6; plus strand), DLX6-AS1 (DLX6 antisense RNA 1; minus strand). Cytogenetic location: 7q21.3.
Variant type: single nucleotide variant.
Coding change: c.841T>A on transcript NM_005222.4 (MANE Select); coding-DNA position 841, T replaced by A.
Protein change: p.Ser281Thr; replaces serine 281 with threonine.
Molecular consequence: missense variant.
Genome position (GRCh38, 1-based): chr7:97,010,006, T>A. VCF-style: chr7-97010006-T-A. GRCh37 (hg19) VCF-style: chr7-96639318-T-A.
Other names: c.841T>A (NM_005222.3); short protein forms S281T.
Identifiers: ClinVar variation 2721208 (VCV002721208.5), dbSNP rs553310103, ClinGen allele CA4353867.

ClinVar aggregate classification (germline): Likely benign. Review status: criteria provided, single submitter (1 of 4 stars). 2 submissions from 2 submitters: Likely benign (1). 1 of the submissions does not count toward it. Last evaluated 2023-03-30.

Conditions:
DLX6-related disorder. Also called: DLX6-related condition.

Allele frequency attached by ClinVar (database versions not stated): TOPMed 0.00002; gnomAD 0.00009; gnomAD exomes 0.00025; 1000 Genomes Project 0.00040; 1000 Genomes Project 30x 0.00047; ExAC 0.00092.
gnomAD v4.1: 385 of 1,606,822 alleles (0.024%); highest among the groups gnomAD compares: South Asian, 0.41%; 3 homozygotes.

Submissions (2):

Labcorp Genetics (formerly Invitae), Labcorp
Classification: Likely benign. Last evaluated: 2023-03-30. Review status: criteria provided, single submitter. Criteria: Invitae Variant Classification Sherloc (09022015). Collection method: clinical testing. Allele origin: germline.

PreventionGenetics, part of Exact Sciences
Classification: Likely benign for DLX6-related condition. Last evaluated: 2022-03-21. Review status: no assertion criteria provided. Collection method: clinical testing. Allele origin: germline. Not counted in ClinVar's aggregate classification.
Comment: This variant is classified as likely benign based on ACMG/AMP sequence variant interpretation guidelines (Richards et al. 2015 PMID: 25741868, with internal and published modifications).